The following is an entry in ClinVar:

NM_001555.5(IGSF1):c.3587A>G (p.His1196Arg)

Gene: IGSF1 (immunoglobulin superfamily member 1; minus strand). Cytogenetic location: Xq26.1.
Variant type: single nucleotide variant.
Coding change: c.3587A>G on transcript NM_001555.5 (MANE Select); coding-DNA position 3587, A replaced by G.
Protein change: p.His1196Arg; replaces histidine 1196 with arginine.
Molecular consequence: missense variant.
Genome position (GRCh38, 1-based): chrX:131,274,763, T>C on the plus strand (A>G on the coding strand, the complement: IGSF1 is on the minus strand). VCF-style: chrX-131274763-T-C. GRCh37 (hg19) VCF-style: chrX-130408737-T-C.
Other names: c.3602A>G (NM_001170961.1); c.3602A>G, p.His1201Arg (NM_001170961.2); c.3560A>G, p.His1187Arg (NM_001170962.2); short protein forms H1187R, H1196R, H1201R.
Identifiers: ClinVar variation 3067275 (VCV003067275.22), dbSNP rs745964986, ClinGen allele CA10517618.

ClinVar aggregate classification (germline): Conflicting classifications of pathogenicity. Review status: criteria provided, conflicting classifications (1 of 4 stars). 3 submissions from 3 submitters: Uncertain significance (1); Likely benign (2). Last evaluated 2025-12-03.

Conditions:
Inborn genetic diseases. Identifiers: MedGen C0950123, MeSH D030342.

Allele frequency attached by ClinVar (database versions not stated): gnomAD 0.00003; TOPMed 0.00003.
gnomAD v4.1: 44 of 1,209,809 alleles (0.0036%); highest among the groups gnomAD compares: Non-Finnish European, 0.0047%; no homozygotes.

Submissions (3):

Ambry Genetics
Classification: Uncertain significance for Inborn genetic diseases. Last evaluated: 2025-12-03. Review status: criteria provided, single submitter. Criteria: Ambry Variant Classification Scheme 2023. Collection method: clinical testing. Allele origin: germline.

CeGaT Center for Human Genetics Tuebingen
Classification: Likely benign. Last evaluated: 2024-03-01. Review status: criteria provided, single submitter. Criteria: CeGaT Center For Human Genetics Tuebingen Variant Classification Criteria Version 2. Collection method: clinical testing. Allele origin: germline. Affected: yes. Observed: 1 variant allele.
Comment: IGSF1: BP4

Breakthrough Genomics
Classification: Likely benign. Review status: criteria provided, single submitter. Criteria: ACMG Guidelines, 2015. Collection method: not provided. Allele origin: germline. Inheritance: X-linked inheritance. Affected: yes.